The following is an entry in ClinVar:

NM_007294.4(BRCA1):c.301+7G>C

Gene: BRCA1 (BRCA1 DNA repair associated; minus strand). Cytogenetic location: 17q21.31.
Variant type: single nucleotide variant.
Coding change: c.301+7G>C on transcript NM_007294.4 (MANE Select); 7 bases into the intron after coding-DNA position 301, G replaced by C.
Molecular consequence: intron variant.
Genome position (GRCh38, 1-based): chr17:43,104,861, C>G on the plus strand (G>C on the coding strand, the complement: BRCA1 is on the minus strand). VCF-style: chr17-43104861-C-G. GRCh37 (hg19) VCF-style: chr17-41256878-C-G.
Other names: c.301+7G>C (NM_001407603.1, NM_001408446.1, NM_001408435.1 and 164 more transcripts); c.169+7G>C (NM_001408451.1); c.91+7G>C (NM_001407898.1, NM_001407881.1, NM_001408509.1 and 58 more transcripts); c.160+7G>C (NM_001407932.1, NM_001408464.1, NM_001407742.1 and 99 more transcripts); c.223+7G>C (NM_001408475.1, NM_001407875.1, NM_001407659.1 and 21 more transcripts); c.292+16G>C (NM_001408408.1, NM_001407647.1, NM_001407646.1); c.-218-10001G>C (NM_001407966.1, NM_001407967.1); c.-81+7G>C (NM_001407963.1, NM_001407960.1, NM_001407965.1 and 4 more transcripts).
Identifiers: ClinVar variation 865651 (VCV000865651.3), dbSNP rs80358113, ClinGen allele CA916080806.

Conditions:
Breast-ovarian cancer, familial, susceptibility to, 1 (BROVCA1). Also called: BRCA1 Hereditary Breast and Ovarian Cancer; OVARIAN CANCER, SUSCEPTIBILITY TO. Identifiers: Orphanet 145, MedGen C2676676, MONDO:0011450, OMIM 604370. Disease mechanism: loss of function.

Submission:

Brotman Baty Institute, University of Washington
No classification provided (evidence only). Condition: Breast-ovarian cancer, familial 1. Review status: no classification provided. Collection method: in vitro. Allele origin: not applicable. Functional consequence: functionally_normal.
ClinVar note: "not provided" was previously submitted as the classification for the variant. However, the classification appeared to be based only on an observation of functional data so it was converted to no classification on 2025-07-30.